The following is an entry in ClinVar:

NM_000080.4(CHRNE):c.1425C>T (p.Leu475=)

Gene: CHRNE (cholinergic receptor nicotinic epsilon subunit; minus strand). Cytogenetic location: 17p13.2.
Variant type: single nucleotide variant.
Coding change: c.1425C>T on transcript NM_000080.4 (MANE Select); coding-DNA position 1425, C replaced by T.
Protein change: p.Leu475=; no amino-acid change (leucine 475 retained).
Molecular consequence: synonymous variant.
Genome position (GRCh38, 1-based): chr17:4,898,793, G>A on the plus strand (C>T on the coding strand, the complement: CHRNE is on the minus strand). VCF-style: chr17-4898793-G-A. GRCh37 (hg19) VCF-style: chr17-4802088-G-A.
Other names: c.1425C>T, p.Leu475= (LRG_1254t1).
Identifiers: ClinVar variation 254893 (VCV000254893.25), dbSNP rs151193377, ClinGen allele CA8313824.

ClinVar aggregate classification (germline): Benign/Likely benign. Review status: criteria provided, multiple submitters, no conflicts (2 of 4 stars). 7 submissions from 7 submitters: Benign (3); Likely benign (3). 1 of the submissions does not count toward it. Last evaluated 2026-01-21.

Conditions:
Congenital myasthenic syndrome (CMS). Also called: Congenital Myasthenic Syndromes. Identifiers: Orphanet 590, MedGen C0751882, MeSH D020294, MONDO:0018940.
Congenital myasthenic syndrome 4A. Also called: Myasthenic syndrome, congenital, 4a, slow-channel; MYASTHENIC SYNDROME, CONGENITAL, 4A, SLOW-CHANNEL, AUTOSOMAL RECESSIVE; CONGENITAL MYASTHENIC SYNDROME TYPE Ia1. Identifiers: Orphanet 590, MedGen C4225413, MONDO:0011600, OMIM 605809.

Allele frequency attached by ClinVar (database versions not stated): gnomAD exomes 0.00042; ExAC 0.00085; ESP Exome Variant Server 0.00177; gnomAD 0.00184 and 0.00197; 1000 Genomes Project 0.00200; TOPMed 0.00218; 1000 Genomes Project 30x 0.00219.
gnomAD v4.1: 541 of 1,608,098 alleles (0.034%); highest among the groups gnomAD compares: African/African-American, 0.63%; 4 homozygotes.

Submissions (7):

Labcorp Genetics (formerly Invitae), Labcorp
Classification: Benign for Congenital myasthenic syndrome 4A. Last evaluated: 2026-01-21. Review status: criteria provided, single submitter. Criteria: Invitae Variant Classification Sherloc (09022015). Collection method: clinical testing. Allele origin: germline.

Blueprint Genetics
Classification: Likely benign. Last evaluated: 2024-03-15. Review status: criteria provided, single submitter. Criteria: ACMG Guidelines, 2015. Collection method: clinical testing. Allele origin: germline.

Illumina Laboratory Services, Illumina
Classification: Likely benign for Congenital myasthenic syndrome. Last evaluated: 2018-01-13. Review status: criteria provided, single submitter. Criteria: ICSL Variant Classification Criteria 13 December 2019. Collection method: clinical testing. Allele origin: germline.
Comment: This variant was observed in the ICSL laboratory as part of a predisposition screen in an ostensibly healthy population. It had not been previously curated by ICSL or reported in the Human Gene Mutation Database (HGMD: prior to June 1st, 2018), and was therefore a candidate for classification through an automated scoring system. Utilizing variant allele frequency, disease prevalence and penetrance estimates, and inheritance mode, an automated score was calculated to assess if this variant is too frequent to cause the disease. Based on the score and internal cut-off values, a variant classified as likely benign is not then subjected to further curation. The score for this variant resulted in a classification of likely benign for this disease.

Eurofins Ntd Llc (ga)
Classification: Benign. Last evaluated: 2015-12-22. Review status: criteria provided, single submitter. Criteria: EGL Classification Definitions 2015. Collection method: clinical testing. Allele origin: germline. Observed: 1 variant allele, 1 heterozygote.

Breakthrough Genomics
Classification: Likely benign. Review status: criteria provided, single submitter. Criteria: ACMG Guidelines, 2015. Collection method: not provided. Allele origin: germline. Inheritance: Autosomal recessive inheritance. Affected: yes.

PreventionGenetics, part of Exact Sciences
Classification: Benign. Review status: criteria provided, single submitter. Criteria: ACMG Guidelines, 2015. Collection method: clinical testing. Allele origin: germline.

Natera, Inc.
Classification: Likely benign for Congenital myasthenic syndrome. Last evaluated: 2019-10-24. Review status: no assertion criteria provided. Collection method: clinical testing. Allele origin: germline. Not counted in ClinVar's aggregate classification.